The following is an entry in ClinVar:

NM_004813.4(PEX16):c.810G>T (p.Glu270Asp)

Gene: PEX16 (peroxisomal biogenesis factor 16; minus strand). Cytogenetic location: 11p11.2.
Variant type: single nucleotide variant.
Coding change: c.810G>T on transcript NM_004813.4 (MANE Select); coding-DNA position 810, G replaced by T.
Protein change: p.Glu270Asp; replaces glutamic acid 270 with aspartic acid.
Molecular consequence: missense variant.
Genome position (GRCh38, 1-based): chr11:45,913,896, C>A on the plus strand (G>T on the coding strand, the complement: PEX16 is on the minus strand). VCF-style: chr11-45913896-C-A. GRCh37 (hg19) VCF-style: chr11-45935447-C-A.
Other names: c.810G>T, p.Glu270Asp (NM_057174.3); short protein forms E270D.
Identifiers: ClinVar variation 2107757 (VCV002107757.4), dbSNP rs1406601120, ClinGen allele CA380226136.

ClinVar aggregate classification (germline): Uncertain significance (1 of 4 stars; one submission).

Conditions:
Peroxisome biogenesis disorder. Identifiers: Orphanet 79189, MedGen C1832200, MONDO:0019234. Disease mechanism: loss of function.

Submission:

Labcorp Genetics (formerly Invitae), Labcorp
Classification: Uncertain significance for Peroxisome biogenesis disorder. Last evaluated: 2022-03-09. Review status: criteria provided, single submitter. Criteria: Invitae Variant Classification Sherloc (09022015). Collection method: clinical testing. Allele origin: germline.
Comment: This variant is not present in population databases (gnomAD no frequency). In summary, the available evidence is currently insufficient to determine the role of this variant in disease. Therefore, it has been classified as a Variant of Uncertain Significance. Algorithms developed to predict the effect of missense changes on protein structure and function are either unavailable or do not agree on the potential impact of this missense change (SIFT: "Tolerated"; PolyPhen-2: "Probably Damaging"; Align-GVGD: "Class C0"). This variant has not been reported in the literature in individuals affected with PEX16-related conditions. This sequence change replaces glutamic acid, which is acidic and polar, with aspartic acid, which is acidic and polar, at codon 270 of the PEX16 protein (p.Glu270Asp).